The following is an entry in ClinVar:

NM_001122955.4(BSCL2):c.666G>A (p.Met222Ile)

Genes: BSCL2 (BSCL2 lipid droplet biogenesis associated, seipin; minus strand), HNRNPUL2-BSCL2 (HNRNPUL2-BSCL2 readthrough (NMD candidate); minus strand). Cytogenetic location: 11q12.3.
Variant type: single nucleotide variant.
Coding change: c.666G>A on transcript NM_001122955.4 (MANE Select); coding-DNA position 666, G replaced by A.
Protein change: p.Met222Ile; replaces methionine 222 with isoleucine.
Molecular consequence: missense variant. On other transcripts: non-coding transcript variant (1).
Genome position (GRCh38, 1-based): chr11:62,692,762, C>T on the plus strand (G>A on the coding strand, the complement: BSCL2 is on the minus strand). VCF-style: chr11-62692762-C-T. GRCh37 (hg19) VCF-style: chr11-62460234-C-T.
Other names: c.474G>A, p.Met158Ile (NM_001130702.2, NM_032667.6); c.666G>A, p.Met222Ile (NM_001386027.1, NM_001386028.1); short protein forms M158I, M222I.
Identifiers: ClinVar variation 2087066 (VCV002087066.4), dbSNP rs755623017, ClinGen allele CA6053495.
Genomic context (GRCh38, chr11:62,692,762, plus strand): 5'-CAGCTGCTTCTGCTCTGCAAAGCCAAATAGCAGGAGGCTAGAGAAGACCAGTGTGTCCAG[C>T]ATCTGGAGCAGGTCTGAGCGGTAATGCAGCATCACCTGCCGGGGGTGGGAAGCAGAGGCT-3'
Protein context (NP_001116427.1, residues 212-232): MLHYRSDLLQ[Met222Ile]LDTLVFSSLL

ClinVar aggregate classification (germline): Uncertain significance (1 of 4 stars; one submission).

Conditions:
Charcot-Marie-Tooth disease type 2. Also called: Charcot-Marie-Tooth type 2. Identifiers: Orphanet 64746, MedGen C0270914, MONDO:0018993.

gnomAD v4.1: 1 of 1,614,002 alleles (0.000062%); highest among the groups gnomAD compares: Non-Finnish European, 0.000085%; no homozygotes.

Submission:

Labcorp Genetics (formerly Invitae), Labcorp
Classification: Uncertain significance for Charcot-Marie-Tooth disease type 2. Last evaluated: 2022-02-11. Review status: criteria provided, single submitter. Criteria: Invitae Variant Classification Sherloc (09022015). Collection method: clinical testing. Allele origin: germline.
Comment: Algorithms developed to predict the effect of missense changes on protein structure and function output the following: SIFT: "Tolerated"; PolyPhen-2: "Benign"; Align-GVGD: "Class C0". The isoleucine amino acid residue is found in multiple mammalian species, which suggests that this missense change does not adversely affect protein function. This sequence change replaces methionine, which is neutral and non-polar, with isoleucine, which is neutral and non-polar, at codon 158 of the BSCL2 protein (p.Met158Ile). This variant is present in population databases (rs755623017, gnomAD 0.0009%). This variant has not been reported in the literature in individuals affected with BSCL2-related conditions. In summary, the available evidence is currently insufficient to determine the role of this variant in disease. Therefore, it has been classified as a Variant of Uncertain Significance.